The following is an entry in ClinVar:

NM_001082486.2(ACD):c.446A>G (p.Tyr149Cys)

Gene: ACD (ACD shelterin complex subunit and telomerase recruitment factor; minus strand). Cytogenetic location: 16q22.1.
Variant type: single nucleotide variant.
Coding change: c.446A>G on transcript NM_001082486.2 (MANE Select); coding-DNA position 446, A replaced by G.
Protein change: p.Tyr149Cys; replaces tyrosine 149 with cysteine.
Molecular consequence: missense variant.
Genome position (GRCh38, 1-based): chr16:67,659,387, T>C on the plus strand (A>G on the coding strand, the complement: ACD is on the minus strand). VCF-style: chr16-67659387-T-C. GRCh37 (hg19) VCF-style: chr16-67693290-T-C.
Other names: p.Tyr149Cys; c.437A>G, p.Tyr146Cys (NM_022914.3); short protein forms Y146C, Y149C.
Identifiers: ClinVar variation 1394247 (VCV001394247.12), dbSNP rs200909340, ClinGen allele CA8114685.

ClinVar aggregate classification (germline): Uncertain significance. Review status: criteria provided, multiple submitters, no conflicts (2 of 4 stars). 5 submissions from 5 submitters: Uncertain significance (4). 1 of the submissions does not count toward it. Last evaluated 2026-01-02.

Conditions:
Inborn genetic diseases. Identifiers: MedGen C0950123, MeSH D030342.
Dyskeratosis congenita, autosomal dominant 6 (DKCA6). Identifiers: Orphanet 3322, MedGen C4225284, MONDO:0014690, OMIM 616553.

Allele frequency attached by ClinVar (database versions not stated): TOPMed 0.00003; gnomAD 0.00004 and 0.00005; 1000 Genomes Project 30x 0.00016; 1000 Genomes Project 0.00020.
gnomAD v4.1: 26 of 1,613,912 alleles (0.0016%); highest among the groups gnomAD compares: East Asian, 0.011%; no homozygotes.

Submissions (5):

Labcorp Genetics (formerly Invitae), Labcorp
Classification: Uncertain significance for Dyskeratosis congenita, autosomal dominant 6. Last evaluated: 2026-01-02. Review status: criteria provided, single submitter. Criteria: Invitae Variant Classification Sherloc (09022015). Collection method: clinical testing. Allele origin: germline.
Comment: This sequence change replaces tyrosine, which is neutral and polar, with cysteine, which is neutral and slightly polar, at codon 235 of the ACD protein (p.Tyr235Cys). This variant is present in population databases (rs200909340, gnomAD 0.05%). This variant has not been reported in the literature in individuals affected with ACD-related conditions. ClinVar contains an entry for this variant (Variation ID: 1394247). Invitae Evidence Modeling of protein sequence and biophysical properties (such as structural, functional, and spatial information, amino acid conservation, physicochemical variation, residue mobility, and thermodynamic stability) indicates that this missense variant is not expected to disrupt ACD protein function with a negative predictive value of 80%. In summary, the available evidence is currently insufficient to determine the role of this variant in disease. Therefore, it has been classified as a Variant of Uncertain Significance.

Center for Genomic Medicine, Rigshospitalet, Copenhagen University Hospital
Classification: Uncertain significance. Last evaluated: 2025-03-04. Review status: criteria provided, single submitter. Criteria: ACMG Guidelines, 2015. Collection method: clinical testing. Allele origin: germline.

Mayo Clinic Laboratories, Mayo Clinic
Classification: Uncertain significance. Last evaluated: 2024-03-01. Review status: criteria provided, single submitter. Criteria: ACMG Guidelines, 2015. Collection method: clinical testing. Allele origin: germline. Observed: 1 variant allele.
Comment: BP4

Ambry Genetics
Classification: Uncertain significance for Inborn genetic diseases. Last evaluated: 2021-07-25. Review status: criteria provided, single submitter. Criteria: Ambry Variant Classification Scheme 2023. Collection method: clinical testing. Allele origin: germline.
Comment: The p.Y235C variant (also known as c.704A>G), located in coding exon 5 of the ACD gene, results from an A to G substitution at nucleotide position 704. The tyrosine at codon 235 is replaced by cysteine, an amino acid with highly dissimilar properties. This amino acid position is conserved. In addition, this alteration is predicted to be tolerated by in silico analysis. Since supporting evidence is limited at this time, the clinical significance of this alteration remains unclear.

Genetic Services Laboratory, University of Chicago
Classification: Uncertain significance. Last evaluated: 2022-04-28. Review status: no assertion criteria provided. Collection method: clinical testing. Allele origin: germline. Affected: no. Not counted in ClinVar's aggregate classification.
Comment: DNA sequence analysis of the ACD gene demonstrated a sequence change, c.446A>G, in exon 5 that results in an amino acid change, p.Tyr149Cys. This sequence change has been described in the gnomAD database with a frequency of 0.045% in the East Asian subpopulation (dbSNP rs200909340). The p.Tyr149Cys change affects a moderately conserved amino acid residue located in a domain of the ACD protein that is not known to be functional. The p.Tyr149Cys substitution appears to be benign using several in-silico pathogenicity prediction tools (SIFT, PolyPhen2, Align GVGD, REVEL). This sequence change does not appear to have been previously described in individuals with ACD-related disorders. Due to insufficient evidences and the lack of functional studies, the clinical significance of the p.Tyr149Cys change remains unknown at this time.